The following is an entry in ClinVar:

NM_198578.4(LRRK2):c.5639C>T (p.Ala1880Val)

Gene: LRRK2 (leucine rich repeat kinase 2; plus strand). Cytogenetic location: 12q12.
Variant type: single nucleotide variant.
Coding change: c.5639C>T on transcript NM_198578.4 (MANE Select); coding-DNA position 5639, C replaced by T.
Protein change: p.Ala1880Val; replaces alanine 1880 with valine.
Molecular consequence: missense variant.
Genome position (GRCh38, 1-based): chr12:40,323,289, C>T. VCF-style: chr12-40323289-C-T. GRCh37 (hg19) VCF-style: chr12-40717091-C-T.
Other names: short protein forms A1880V.
Identifiers: ClinVar variation 1748782 (VCV001748782.3), dbSNP rs1222196553, ClinGen allele CA384421233.
Genomic context (GRCh38, chr12:40,323,289, plus strand): 5'-TTTTGGCTGACCTGCCTAGAAATATTATGTTGAATAATGATGAGTTGGAATTTGAACAAG[C>T]TCCAGAGTTTCTCCTAGGTAATTCTTTTTGTTAATTTGAGAATAAAAATTAGGATGTAAT-3'
Protein context (NP_940980.4, residues 1870-1890): LNNDELEFEQ[Ala1880Val]PEFLLGDGSF

ClinVar aggregate classification (germline): Uncertain significance (1 of 4 stars; one submission).

Conditions:
Inborn genetic diseases. Identifiers: MedGen C0950123, MeSH D030342.

Submission:

Ambry Genetics
Classification: Uncertain significance for Inborn genetic diseases. Last evaluated: 2024-10-13. Review status: criteria provided, single submitter. Criteria: Ambry Variant Classification Scheme 2023. Collection method: clinical testing. Allele origin: germline.
Comment: The p.A1880V variant (also known as c.5639C>T), located in coding exon 38 of the LRRK2 gene, results from a C to T substitution at nucleotide position 5639. The alanine at codon 1880 is replaced by valine, an amino acid with similar properties. This amino acid position is conserved. In addition, this alteration is predicted to be tolerated by in silico analysis. Since supporting evidence is limited at this time, the clinical significance of this alteration remains unclear.